The following is an entry in ClinVar:

NM_001354435.2(C4orf54):c.5153C>T (p.Ala1718Val)

Gene: C4orf54 (chromosome 4 open reading frame 54; minus strand). Cytogenetic location: 4q23.
Variant type: single nucleotide variant.
Coding change: c.5153C>T on transcript NM_001354435.2 (MANE Select); coding-DNA position 5153, C replaced by T.
Protein change: p.Ala1718Val; replaces alanine 1718 with valine.
Molecular consequence: missense variant.
Genome position (GRCh38, 1-based): chr4:99,649,496, G>A on the plus strand (C>T on the coding strand, the complement: C4orf54 is on the minus strand). VCF-style: chr4-99649496-G-A. GRCh37 (hg19) VCF-style: chr4-100570653-G-A.
Other names: short protein forms A1718V.
Identifiers: ClinVar variation 2571211 (VCV002571211.27), dbSNP rs550870913, ClinGen allele CA3022463.

ClinVar aggregate classification (germline): Likely benign (1 of 4 stars; one submission).

Allele frequency attached by ClinVar (database versions not stated): 1000 Genomes Project 0.00040; 1000 Genomes Project 30x 0.00078; gnomAD exomes 0.00139; ExAC 0.00170.

Submission:

CeGaT Center for Human Genetics Tuebingen
Classification: Likely benign. Last evaluated: 2023-06-01. Review status: criteria provided, single submitter. Criteria: CeGaT Center For Human Genetics Tuebingen Variant Classification Criteria Version 2. Collection method: clinical testing. Allele origin: germline. Affected: yes. Observed: 3 variant alleles.
Comment: C4orf54: BP4, BS1